The following is an entry in ClinVar:

ClinVar aggregate classification (germline): Uncertain significance (1 of 4 stars; one submission).

Allele frequency attached by ClinVar (database versions not stated): gnomAD exomes below 0.00001.
gnomAD v4.1: 1 of 1,614,126 alleles (0.000062%); highest among the groups gnomAD compares: Non-Finnish European, 0.000085%; no homozygotes.

Submission:

GeneDx
Classification: Uncertain significance. Last evaluated: 2016-03-29. Review status: criteria provided, single submitter. Criteria: GeneDx Variant Classification (06012015). Collection method: clinical testing. Allele origin: germline. Affected: yes.
Comment: The T849A variant in the POLG gene has not been reported previously as a pathogenic variant, nor as a benign variant, to our knowledge. This variant was not observed in approximately 6500 individuals of European and African American ancestry in an external variant database, indicating it is not a common benign variant in these populations. The T849A variant is a non-conservative amino acid substitution, which is likely to impact secondary protein structure as these residues differ in polarity, charge, size and/or other properties. This substitution occurs at a position that is conserved across species, and in silico analysis predicts this variant is probably damaging to the protein structure/function. Missense variants in nearby residues (G848S, T851A, R852C, R852H, R853W, R853Q) have been reported in the Human Gene Mutation Database in association with POLG-related disorders (Stenson et al., 2014), supporting the functional importance of this region of the protein. We interpret T849A as a variant of uncertain significance.

NM_002693.3(POLG):c.2545A>G (p.Thr849Ala)

Gene: POLG (DNA polymerase gamma, catalytic subunit; minus strand). Cytogenetic location: 15q26.1.
Variant type: single nucleotide variant.
Coding change: c.2545A>G on transcript NM_002693.3 (MANE Select); coding-DNA position 2545, A replaced by G.
Protein change: p.Thr849Ala; replaces threonine 849 with alanine.
Molecular consequence: missense variant.
Genome position (GRCh38, 1-based): chr15:89,321,789, T>C on the plus strand (A>G on the coding strand, the complement: POLG is on the minus strand). VCF-style: chr15-89321789-T-C. GRCh37 (hg19) VCF-style: chr15-89865020-T-C.
Other names: c.2545A>G, p.Thr849Ala (NM_001126131.2); short protein forms T849A.
Identifiers: ClinVar variation 449141 (VCV000449141.2), dbSNP rs1555452879, ClinGen allele CA393754429.